The following is an entry in ClinVar:

NM_000388.4(CASR):c.2123C>T (p.Ala708Val)

Gene: CASR (calcium sensing receptor; plus strand). Cytogenetic location: 3q21.1.
Variant type: single nucleotide variant.
Coding change: c.2123C>T on transcript NM_000388.4 (MANE Select); coding-DNA position 2123, C replaced by T.
Protein change: p.Ala708Val; replaces alanine 708 with valine.
Molecular consequence: missense variant.
Genome position (GRCh38, 1-based): chr3:122,284,077, C>T. VCF-style: chr3-122284077-C-T. GRCh37 (hg19) VCF-style: chr3-122002924-C-T.
Other names: c.2153C>T, p.Ala718Val (NM_001178065.2); short protein forms A708V, A718V.
Identifiers: ClinVar variation 1786271 (VCV001786271.2), dbSNP rs2473278111, ClinGen allele CA354158654.

ClinVar aggregate classification (germline): Uncertain significance (1 of 4 stars; one submission).

Conditions:
Nephrolithiasis/nephrocalcinosis. Identifiers: MedGen CN580796.

Submission:

Ambry Genetics
Classification: Uncertain significance for Nephrolithiasis/nephrocalcinosis. Last evaluated: 2021-12-22. Review status: criteria provided, single submitter. Criteria: Ambry Variant Classification Scheme 2023. Collection method: clinical testing. Allele origin: germline.
Comment: The p.A708V variant (also known as c.2123C>T), located in coding exon 6 of the CASR gene, results from a C to T substitution at nucleotide position 2123. The alanine at codon 708 is replaced by valine, an amino acid with similar properties. This amino acid position is conserved. In addition, this alteration is predicted to be deleterious by in silico analysis. Since supporting evidence is limited at this time, the clinical significance of this alteration remains unclear.